The following is an entry in ClinVar:

NM_004522.3(KIF5C):c.277dup (p.Thr93fs)

Gene: KIF5C (kinesin family member 5C; plus strand). Cytogenetic location: 2q23.1.
Variant type: Duplication.
Coding change: c.277dup on transcript NM_004522.3 (MANE Select); coding-DNA position 277, one base duplicated (A; older notation c.277dupA).
Protein change: p.Thr93fs; shifts the reading frame from threonine 93.
Molecular consequence: frameshift variant.
Genome position (GRCh38, 1-based): chr2:148,929,340, A duplicated; the last of 5 consecutive A bases (chr2:148,929,336-148,929,340); duplicating any one gives the same sequence. VCF-style (leftmost placement, unchanged base first): chr2-148929335-G-GA. GRCh37 (hg19) VCF-style: chr2-149686904-G-GA.
Other names: short protein forms T93fs.
Identifiers: ClinVar variation 5018857 (VCV005018857.2).

ClinVar aggregate classification (germline): Uncertain significance (1 of 4 stars; one submission).

Conditions:
Complex cortical dysplasia with other brain malformations 2. Identifiers: MedGen C3809013, MONDO:0014116, OMIM 615282.

Submission:

Juno Genomics, Hangzhou Juno Genomics, Inc
Classification: Uncertain significance for Complex cortical dysplasia with other brain malformations 2. Review status: criteria provided, single submitter. Criteria: ACMG Guidelines, 2015. Collection method: clinical testing. Allele origin: germline.
Comment: Absent from controls (or at extremely low frequency if recessive) in Genome Aggregation Database.